The following is an entry in ClinVar:

ClinVar aggregate classification (germline): Uncertain significance (1 of 4 stars; one submission).

Conditions:
Hereditary cancer-predisposing syndrome. Also called: Neoplastic Syndromes, Hereditary; Tumor predisposition; Hereditary Cancer Syndrome; Hereditary neoplastic syndrome. Identifiers: Orphanet 140162, MedGen C0027672, MeSH D009386, MONDO:0015356.

Submission:

Ambry Genetics
Classification: Uncertain significance for Hereditary cancer-predisposing syndrome. Last evaluated: 2026-04-13. Review status: criteria provided, single submitter. Criteria: Ambry Variant Classification Scheme 2023. Collection method: clinical testing. Allele origin: germline.
Comment: The p.A640P variant (also known as c.1918G>C), located in coding exon 11 of the RET gene, results from a G to C substitution at nucleotide position 1918. The alanine at codon 640 is replaced by proline, an amino acid with highly similar properties. This amino acid position is conserved. In addition, this alteration is predicted to be deleterious by in silico analysis. Based on the available evidence, the clinical significance of this variant remains unclear.

NM_020975.6(RET):c.1918G>C (p.Ala640Pro)

Gene: RET (ret proto-oncogene; plus strand). Cytogenetic location: 10q11.21.
Variant type: single nucleotide variant.
Coding change: c.1918G>C on transcript NM_020975.6 (MANE Select); coding-DNA position 1918, G replaced by C.
Protein change: p.Ala640Pro; replaces alanine 640 with proline.
Molecular consequence: missense variant. On other transcripts: intron variant (4).
Genome position (GRCh38, 1-based): chr10:43,114,518, G>C. VCF-style: chr10-43114518-G-C. GRCh37 (hg19) VCF-style: chr10-43609966-G-C.
Other names: c.1156G>C, p.Ala386Pro (NM_001355216.2); c.1918G>C, p.Ala640Pro (NM_001406743.1, NM_001406744.1, NM_001406759.1 and 2 more transcripts); c.1789G>C, p.Ala597Pro (NM_001406761.1, NM_001406762.1, NM_001406764.1); c.1630G>C, p.Ala544Pro (NM_001406766.1, NM_001406767.1, NM_001406770.1); c.1522G>C, p.Ala508Pro (NM_001406769.1, NM_001406772.1); c.1480G>C, p.Ala494Pro (NM_001406771.1, NM_001406773.1); c.1393G>C, p.Ala465Pro (NM_001406774.1); c.1192G>C, p.Ala398Pro (NM_001406775.1, NM_001406776.1, NM_001406777.1 and 1 more transcripts); and 10 more; short protein forms A157P, A205P, A245P, A298P, A301P, A310P, A341P, A386P.
Identifiers: ClinVar variation 4863261 (VCV004863261.1).